The following is an entry in ClinVar:

NM_175875.5(SIX5):c.492C>T (p.Tyr164=)

Genes: DM1-AS (DM1 locus antisense RNA; plus strand), SIX5 (SIX homeobox 5; minus strand), LOC107075317 (origin of replication in DMPK trinucleotide repeat region; plus strand). Cytogenetic location: 19q13.32.
Variant type: single nucleotide variant.
Coding change: c.492C>T on transcript NM_175875.5 (MANE Select); coding-DNA position 492, C replaced by T.
Protein change: p.Tyr164=; no amino-acid change (tyrosine 164 retained).
Molecular consequence: synonymous variant.
Genome position (GRCh38, 1-based): chr19:45,768,353, G>A on the plus strand (C>T on the coding strand, the complement: SIX5 is on the minus strand). VCF-style: chr19-45768353-G-A. GRCh37 (hg19) VCF-style: chr19-46271611-G-A.
Identifiers: ClinVar variation 1318075 (VCV001318075.14), dbSNP rs372293937, ClinGen allele CA9520842.

ClinVar aggregate classification (germline): Likely benign. Review status: criteria provided, multiple submitters, no conflicts (2 of 4 stars). 6 submissions from 6 submitters: Likely benign (5). 1 of the submissions does not count toward it. Last evaluated 2026-07-01.

Conditions:
SIX5-related disorder. Also called: SIX5-related condition.
Branchiootorenal syndrome 2 (BOR2). Identifiers: Orphanet 107, MedGen C1970479, MONDO:0012575, OMIM 610896.

Allele frequency attached by ClinVar (database versions not stated): gnomAD exomes 0.00009 and 0.00014; gnomAD 0.00014; ExAC 0.00015; TOPMed 0.00018; ESP Exome Variant Server 0.00031.

Submissions (6):

CeGaT Center for Human Genetics Tuebingen
Classification: Likely benign. Last evaluated: 2026-07-01. Review status: criteria provided, single submitter. Criteria: CeGaT Center For Human Genetics Tuebingen Variant Classification Criteria Version 2. Collection method: clinical testing. Allele origin: germline. Affected: yes. Observed: 1 variant allele.
Comment: SIX5: BP4, BP7

Labcorp Genetics (formerly Invitae), Labcorp
Classification: Likely benign. Last evaluated: 2025-10-26. Review status: criteria provided, single submitter. Criteria: Invitae Variant Classification Sherloc (09022015). Collection method: clinical testing. Allele origin: germline.

Blueprint Genetics
Classification: Likely benign. Last evaluated: 2024-11-15. Review status: criteria provided, single submitter. Criteria: ACMG Guidelines, 2015. Collection method: clinical testing. Allele origin: germline.

Fulgent Genetics
Classification: Likely benign for Branchiootorenal syndrome 2. Last evaluated: 2021-09-07. Review status: criteria provided, single submitter. Criteria: ACMG Guidelines, 2015. Collection method: clinical testing. Allele origin: unknown.

GeneDx
Classification: Likely benign. Last evaluated: 2020-10-21. Review status: criteria provided, single submitter. Criteria: GeneDx Variant Classification Process June 2021. Collection method: clinical testing. Allele origin: germline. Affected: yes.

PreventionGenetics, part of Exact Sciences
Classification: Likely benign for SIX5-related condition. Last evaluated: 2021-05-17. Review status: no assertion criteria provided. Collection method: clinical testing. Allele origin: germline. Not counted in ClinVar's aggregate classification.
Comment: This variant is classified as likely benign based on ACMG/AMP sequence variant interpretation guidelines (Richards et al. 2015 PMID: 25741868, with internal and published modifications).